The following is an entry in ClinVar:

NM_000051.4(ATM):c.1500A>G (p.Ile500Met)

Gene: ATM (ATM serine/threonine kinase; plus strand). Cytogenetic location: 11q22.3.
Variant type: single nucleotide variant.
Coding change: c.1500A>G on transcript NM_000051.4 (MANE Select); coding-DNA position 1500, A replaced by G.
Protein change: p.Ile500Met; replaces isoleucine 500 with methionine.
Molecular consequence: missense variant.
Genome position (GRCh38, 1-based): chr11:108,250,965, A>G. VCF-style: chr11-108250965-A-G. GRCh37 (hg19) VCF-style: chr11-108121692-A-G.
Other names: c.1500A>G, p.Ile500Met (NM_001351834.2); short protein forms I500M.
Identifiers: ClinVar variation 1360683 (VCV001360683.8), dbSNP rs2135324896, ClinGen allele CA382534231.

ClinVar aggregate classification (germline): Uncertain significance (1 of 4 stars; one submission).

Conditions:
Ataxia-telangiectasia syndrome (AT). Also called: ATAXIA-TELANGIECTASIA, COMPLEMENTATION GROUP A; ATAXIA-TELANGIECTASIA, FRESNO VARIANT; Ataxia-telangiectasia; Ataxia-telangiectasia, complementation group D; Ataxia-telangiectasia, complementation group E; Ataxia telangiectasia (A-T). Identifiers: Orphanet 100, MedGen C0004135, MONDO:0008840, OMIM 208900.

Allele frequency attached by ClinVar (database versions not stated): gnomAD exomes below 0.00001.
gnomAD v4.1: 1 of 1,614,180 alleles (0.000062%); highest among the groups gnomAD compares: Non-Finnish European, 0.000085%; no homozygotes.

Submission:

Labcorp Genetics (formerly Invitae), Labcorp
Classification: Uncertain significance for Ataxia-telangiectasia syndrome. Last evaluated: 2025-03-21. Review status: criteria provided, single submitter. Criteria: Invitae Variant Classification Sherloc (09022015). Collection method: clinical testing. Allele origin: germline.
Comment: This sequence change replaces isoleucine, which is neutral and non-polar, with methionine, which is neutral and non-polar, at codon 500 of the ATM protein (p.Ile500Met). This variant is not present in population databases (gnomAD no frequency). This variant has not been reported in the literature in individuals affected with ATM-related conditions. ClinVar contains an entry for this variant (Variation ID: 1360683). Invitae Evidence Modeling of protein sequence and biophysical properties (such as structural, functional, and spatial information, amino acid conservation, physicochemical variation, residue mobility, and thermodynamic stability) indicates that this missense variant is not expected to disrupt ATM protein function with a negative predictive value of 95%. In summary, the available evidence is currently insufficient to determine the role of this variant in disease. Therefore, it has been classified as a Variant of Uncertain Significance.